The following is an entry in ClinVar:

ClinVar aggregate classification (germline): Conflicting classifications of pathogenicity. Review status: criteria provided, conflicting classifications (1 of 4 stars). 5 submissions from 5 submitters: Pathogenic (1); Likely pathogenic (1); Uncertain significance (1). 2 of the submissions do not count toward it. Last evaluated 2022-07-14.

Conditions:
Retinitis pigmentosa 90. Identifiers: MedGen C5436588, MONDO:0033563, OMIM 619007.
IDH3A-related disorder. Also called: IDH3A-related condition.
Retinitis pigmentosa (RP). Identifiers: Orphanet 791, MedGen C0035334, MeSH D012174, MONDO:0019200, OMIM 268000. Inheritance: Autosomal dominant, autosomal recessive and X linked inheritance.

Allele frequency attached by ClinVar (database versions not stated): ExAC 0.00001; gnomAD exomes 0.00001 and 0.00002.

Submissions (5):

Blueprint Genetics
Classification: Pathogenic for IDH3A-related disorders. Last evaluated: 2022-07-14. Review status: criteria provided, single submitter. Criteria: ACMG Guidelines, 2015. Collection method: clinical testing. Allele origin: germline. Affected: yes. Observed: 3 variant alleles.

Labcorp Genetics (formerly Invitae), Labcorp
Classification: Uncertain significance. Last evaluated: 2022-04-21. Review status: criteria provided, single submitter. Criteria: Invitae Variant Classification Sherloc (09022015). Collection method: clinical testing. Allele origin: germline.
Comment: This variant is present in population databases (rs756712426, gnomAD 0.004%). This sequence change replaces proline, which is neutral and non-polar, with histidine, which is basic and polar, at codon 304 of the IDH3A protein (p.Pro304His). This missense change has been observed in individual(s) with retinitis pigmentosa and severe infantile encephalopathy (PMID: 28058510, 28412069, 31456290). In summary, the available evidence is currently insufficient to determine the role of this variant in disease. Therefore, it has been classified as a Variant of Uncertain Significance. Algorithms developed to predict the effect of missense changes on protein structure and function (SIFT, PolyPhen-2, Align-GVGD) all suggest that this variant is likely to be disruptive. ClinVar contains an entry for this variant (Variation ID: 812331).

Broad Center for Mendelian Genomics, Broad Institute of MIT and Harvard
Classification: Likely pathogenic for Retinitis pigmentosa. Last evaluated: 2021-04-01. Review status: criteria provided, single submitter. Criteria: ACMG Guidelines, 2015. Collection method: curation. Allele origin: germline. Inheritance: Autosomal recessive inheritance. Affected: yes.

OMIM
Classification: Pathogenic for RETINITIS PIGMENTOSA 90. Last evaluated: 2020-10-06. Review status: no assertion criteria provided. Collection method: literature only. Allele origin: germline. Not counted in ClinVar's aggregate classification.

Sharon lab, Hadassah-Hebrew University Medical Center
Classification: Pathogenic for Retinitis pigmentosa. Last evaluated: 2019-06-23. Review status: no assertion criteria provided. Collection method: research. Allele origin: inherited. Affected: yes. Not counted in ClinVar's aggregate classification.

Literature cited by the submitters: PubMed 28058510 (cited by 3 submitters); PubMed 28412069 (cited by 3 submitters); PubMed 31456290 (cited by Labcorp Genetics (formerly Invitae), Labcorp and Broad Center for Mendelian Genomics, Broad Institute of MIT and Harvard); PubMed 34906470 (cited by Broad Center for Mendelian Genomics, Broad Institute of MIT and Harvard).

NM_005530.3(IDH3A):c.911C>A (p.Pro304His)

Gene: IDH3A (isocitrate dehydrogenase (NAD(+)) 3 catalytic subunit alpha; plus strand). Cytogenetic location: 15q25.1.
Variant type: single nucleotide variant.
Coding change: c.911C>A on transcript NM_005530.3 (MANE Select); coding-DNA position 911, C replaced by A.
Protein change: p.Pro304His; replaces proline 304 with histidine.
Molecular consequence: missense variant.
Genome position (GRCh38, 1-based): chr15:78,166,196, C>A. VCF-style: chr15-78166196-C-A. GRCh37 (hg19) VCF-style: chr15-78458538-C-A.
Other names: IDH3A, PRO304HIS (rs756712426); short protein forms P304H.
Identifiers: ClinVar variation 812331 (VCV000812331.12), dbSNP rs756712426, ClinGen allele CA7680716.